The following is an entry in ClinVar:

NM_006509.4(RELB):c.637C>T (p.Arg213Trp)

Gene: RELB (RELB proto-oncogene, NF-kB subunit; plus strand). Cytogenetic location: 19q13.32.
Variant type: single nucleotide variant.
Coding change: c.637C>T on transcript NM_006509.4 (MANE Select); coding-DNA position 637, C replaced by T.
Protein change: p.Arg213Trp; replaces arginine 213 with tryptophan.
Molecular consequence: missense variant.
Genome position (GRCh38, 1-based): chr19:45,022,185, C>T. VCF-style: chr19-45022185-C-T. GRCh37 (hg19) VCF-style: chr19-45525443-C-T.
Other names: c.628C>T, p.Arg210Trp (NM_001411087.1); c.637C>T (NM_006509.3); short protein forms R213W, R210W.
Identifiers: ClinVar variation 2200474 (VCV002200474.5), dbSNP rs759774364, ClinGen allele CA406297394.

ClinVar aggregate classification (germline): Uncertain significance. Review status: criteria provided, multiple submitters, no conflicts (2 of 4 stars). 2 submissions from 2 submitters: Uncertain significance (2). Last evaluated 2025-08-19.

gnomAD v4.1: 3 of 1,607,314 alleles (0.00019%); highest among the groups gnomAD compares: Admixed American, 0.0033%; no homozygotes.

Submissions (2):

Labcorp Genetics (formerly Invitae), Labcorp
Classification: Uncertain significance. Last evaluated: 2025-08-19. Review status: criteria provided, single submitter. Criteria: Invitae Variant Classification Sherloc (09022015). Collection method: clinical testing. Allele origin: germline.
Comment: This sequence change replaces arginine, which is basic and polar, with tryptophan, which is neutral and slightly polar, at codon 213 of the RELB protein (p.Arg213Trp). The frequency data for this variant in the population databases is considered unreliable, as metrics indicate poor data quality at this position in the gnomAD database. This variant has not been reported in the literature in individuals affected with RELB-related conditions. ClinVar contains an entry for this variant (Variation ID: 2200474). An algorithm developed to predict the effect of missense changes on protein structure and function (PolyPhen-2) suggests that this variant is likely to be disruptive. In summary, the available evidence is currently insufficient to determine the role of this variant in disease. Therefore, it has been classified as a Variant of Uncertain Significance.

Ambry Genetics
Classification: Uncertain significance. Last evaluated: 2024-09-30. Review status: criteria provided, single submitter. Criteria: Ambry Variant Classification Scheme 2023. Collection method: clinical testing. Allele origin: germline.